The following is an entry in ClinVar:

NM_024685.4(BBS10):c.931T>G (p.Ser311Ala)

Gene: BBS10 (Bardet-Biedl syndrome 10; minus strand). Cytogenetic location: 12q21.2.
Variant type: single nucleotide variant.
Coding change: c.931T>G on transcript NM_024685.4 (MANE Select); coding-DNA position 931, T replaced by G.
Protein change: p.Ser311Ala; replaces serine 311 with alanine.
Molecular consequence: missense variant.
Genome position (GRCh38, 1-based): chr12:76,347,054, A>C on the plus strand (T>G on the coding strand, the complement: BBS10 is on the minus strand). VCF-style: chr12-76347054-A-C. GRCh37 (hg19) VCF-style: chr12-76740834-A-C.
Other names: c.931T>G, p.Ser311Ala (LRG_1255t1); short protein forms S311A.
Identifiers: ClinVar variation 1331 (VCV000001331.48), dbSNP rs137852837, ClinGen allele CA251748.

ClinVar aggregate classification (germline): Pathogenic. Review status: criteria provided, multiple submitters, no conflicts (2 of 4 stars). 5 submissions from 5 submitters: Pathogenic (3). 2 of the submissions do not count toward it. Last evaluated 2022-05-05.

Conditions:
Retinal dystrophy. Also called: Inherited retinal dystrophy. Identifiers: Orphanet 71862, MedGen C0854723, MeSH D058499, MONDO:0019118, HP:0000556.
Bardet-Biedl syndrome (BBS). Identifiers: Orphanet 110, MedGen C0752166, MONDO:0015229.
Bardet-Biedl syndrome 10 (BBS10). Identifiers: Orphanet 110, MedGen C1859568, MONDO:0014438, OMIM 615987.

Submissions (5):

Labcorp Genetics (formerly Invitae), Labcorp
Classification: Pathogenic for Bardet-Biedl syndrome. Last evaluated: 2022-05-05. Review status: criteria provided, single submitter. Criteria: Invitae Variant Classification Sherloc (09022015). Collection method: clinical testing. Allele origin: germline.
Comment: Experimental studies have shown that this missense change affects BBS10 function (PMID: 20080638). This sequence change replaces serine, which is neutral and polar, with alanine, which is neutral and non-polar, at codon 311 of the BBS10 protein (p.Ser311Ala). This variant is not present in population databases (gnomAD no frequency). This missense change has been observed in individual(s) with Bardet-Biedl syndrome (PMID: 16823392, 26518167). It has also been observed to segregate with disease in related individuals. ClinVar contains an entry for this variant (Variation ID: 1331). Algorithms developed to predict the effect of missense changes on protein structure and function are either unavailable or do not agree on the potential impact of this missense change (SIFT: "Deleterious"; PolyPhen-2: "Possibly Damaging"; Align-GVGD: "Class C0"). For these reasons, this variant has been classified as Pathogenic.

CeGaT Center for Human Genetics Tuebingen
Classification: Pathogenic. Last evaluated: 2019-06-01. Review status: criteria provided, single submitter. Criteria: CeGaT Center For Human Genetics Tuebingen Variant Classification Criteria Version 2. Collection method: clinical testing. Allele origin: germline. Affected: yes. Observed: 1 variant allele.

Institute of Human Genetics, Univ. Regensburg, Univ. Regensburg
Classification: Pathogenic for Retinal dystrophy. Last evaluated: 2010-01-01. Review status: criteria provided, single submitter. Criteria: ACMG Guidelines, 2015. Collection method: clinical testing. Allele origin: germline. Affected: yes.

Sydney Genome Diagnostics, Children's Hospital Westmead
Classification: Pathogenic for Bardet-Biedl syndrome. Last evaluated: 2018-05-30. Review status: no assertion criteria provided. Collection method: clinical testing. Allele origin: unknown. Affected: yes. Observed: 1 variant allele, 1 heterozygote. Not counted in ClinVar's aggregate classification.
Comment: This variant has been previously described in a large extended family with multiple individuals with Bardet-Biedl syndrome (Laurier et al. 2006. Eur J Hum Genet 14:1195-1203; Stoetzel et al. 2006 Nat Genet 38:521-524). This variant is considered to be pathogenic according to the ACMG guidelines. Homozygous or compound heterozygous mutations in BBS10 are associated with Bardet-Biedl syndrome-10 (OMIM #615987). The mode of inheritance is autosomal recessive.

OMIM
Classification: Pathogenic for BARDET-BIEDL SYNDROME 10. Last evaluated: 2006-11-01. Review status: no assertion criteria provided. Collection method: literature only. Allele origin: germline. Not counted in ClinVar's aggregate classification.

Literature cited by the submitters: PubMed 20080638 (cited by Labcorp Genetics (formerly Invitae), Labcorp); PubMed 16823392 (cited by Labcorp Genetics (formerly Invitae), Labcorp and OMIM); PubMed 26518167 (cited by Labcorp Genetics (formerly Invitae), Labcorp); PubMed 16582908 (cited by Institute of Human Genetics, Univ. Regensburg, Univ. Regensburg and OMIM); PubMed 20498079 (cited by Institute of Human Genetics, Univ. Regensburg, Univ. Regensburg); PubMed 32949114 (cited by Institute of Human Genetics, Univ. Regensburg, Univ. Regensburg); PubMed 32531858 (cited by Institute of Human Genetics, Univ. Regensburg, Univ. Regensburg); PubMed 34426522 (cited by Institute of Human Genetics, Univ. Regensburg, Univ. Regensburg); PubMed 35886001 (cited by Institute of Human Genetics, Univ. Regensburg, Univ. Regensburg).